The following is an entry in ClinVar:

ClinVar aggregate classification (germline): Uncertain significance. Review status: criteria provided, multiple submitters, no conflicts (2 of 4 stars). 4 submissions from 4 submitters: Uncertain significance (3). 1 of the submissions does not count toward it. Last evaluated 2025-01-18.

Conditions:
Inborn genetic diseases. Identifiers: MedGen C0950123, MeSH D030342.
Retinitis pigmentosa 25 (RP25). Identifiers: Orphanet 791, MedGen C1864446, MONDO:0011272, OMIM 602772.

Allele frequency attached by ClinVar (database versions not stated): TOPMed below 0.00001; gnomAD exomes 0.00001; gnomAD 0.00002.
gnomAD v4.1: 22 of 1,548,494 alleles (0.0014%); highest among the groups gnomAD compares: Middle Eastern, 0.017%; no homozygotes.

Submissions (4):

Ambry Genetics
Classification: Uncertain significance for Inborn genetic diseases. Last evaluated: 2025-01-18. Review status: criteria provided, single submitter. Criteria: Ambry Variant Classification Scheme 2023. Collection method: clinical testing. Allele origin: germline.

Labcorp Genetics (formerly Invitae), Labcorp
Classification: Uncertain significance. Last evaluated: 2025-01-06. Review status: criteria provided, single submitter. Criteria: Invitae Variant Classification Sherloc (09022015). Collection method: clinical testing. Allele origin: germline.
Comment: This sequence change replaces phenylalanine, which is neutral and non-polar, with leucine, which is neutral and non-polar, at codon 1035 of the EYS protein (p.Phe1035Leu). This variant is present in population databases (no rsID available, gnomAD 0.002%). This variant has not been reported in the literature in individuals affected with EYS-related conditions. ClinVar contains an entry for this variant (Variation ID: 845834). Invitae Evidence Modeling of protein sequence and biophysical properties (such as structural, functional, and spatial information, amino acid conservation, physicochemical variation, residue mobility, and thermodynamic stability) indicates that this missense variant is not expected to disrupt EYS protein function with a negative predictive value of 80%. In summary, the available evidence is currently insufficient to determine the role of this variant in disease. Therefore, it has been classified as a Variant of Uncertain Significance.

Blueprint Genetics
Classification: Uncertain significance. Last evaluated: 2023-01-26. Review status: criteria provided, single submitter. Criteria: ACMG Guidelines, 2015. Collection method: clinical testing. Allele origin: germline.

Natera, Inc.
Classification: Uncertain significance for Retinitis pigmentosa type 25. Last evaluated: 2020-07-21. Review status: no assertion criteria provided. Collection method: clinical testing. Allele origin: germline. Not counted in ClinVar's aggregate classification.

NM_001142800.2(EYS):c.3105T>G (p.Phe1035Leu)

Gene: EYS (EGF-like photoreceptor maintenance factor; minus strand). Cytogenetic location: 6q12.
Variant type: single nucleotide variant.
Coding change: c.3105T>G on transcript NM_001142800.2 (MANE Select); coding-DNA position 3105, T replaced by G.
Protein change: p.Phe1035Leu; replaces phenylalanine 1035 with leucine.
Molecular consequence: missense variant.
Genome position (GRCh38, 1-based): chr6:64,822,710, A>C on the plus strand (T>G on the coding strand, the complement: EYS is on the minus strand). VCF-style: chr6-64822710-A-C. GRCh37 (hg19) VCF-style: chr6-65532603-A-C.
Other names: c.3105T>G, p.Phe1035Leu (NM_001292009.2); short protein forms F1035L.
Identifiers: ClinVar variation 845834 (VCV000845834.8), dbSNP rs969468917, ClinGen allele CA140369231.
Genomic context (GRCh38, chr6:64,822,710, plus strand): 5'-CCTTCCATGTAGACAAGGATTTGAAAGGCAATCATTGGCGTTTGTTTCACAGTGTGTTCC[A>C]AAAAACCCACTCTTGCAGTCACAGGTATAATGATTGATGCCATCGATACAAACTCCATCA-3'
Protein context (NP_001136272.1, residues 1025-1045): HYTCDCKSGF[Phe1035Leu]GTHCETNAND